The following is an entry in ClinVar:

ClinVar aggregate classification (germline): Conflicting classifications of pathogenicity. Review status: criteria provided, conflicting classifications (1 of 4 stars). 3 submissions from 3 submitters: Likely pathogenic (1); Uncertain significance (2). Last evaluated 2023-10-19.

Conditions:
MYH7-related disorder. Also called: MYH7-related condition; MYH7-related disease; MYH7-related disorders.
Hypertrophic cardiomyopathy. Also called: HYPERTROPHIC MYOCARDIOPATHY. Identifiers: Orphanet 217569, MedGen C0007194, MeSH D002312, MONDO:0005045, HP:0001639.

Submissions (3):

Revvity Omics, Revvity
Classification: Uncertain significance. Last evaluated: 2023-10-19. Review status: criteria provided, single submitter. Criteria: ACMG Guidelines, 2015. Collection method: clinical testing. Allele origin: germline.

Blueprint Genetics
Classification: Likely pathogenic for MYH7-related disorders. Last evaluated: 2023-02-28. Review status: criteria provided, single submitter. Criteria: ACMG Guidelines, 2015. Collection method: clinical testing. Allele origin: germline. Affected: yes. Observed: 1 variant allele.

Labcorp Genetics (formerly Invitae), Labcorp
Classification: Uncertain significance for Hypertrophic cardiomyopathy. Last evaluated: 2021-08-12. Review status: criteria provided, single submitter. Criteria: Invitae Variant Classification Sherloc (09022015). Collection method: clinical testing. Allele origin: germline.
Comment: In summary, the available evidence is currently insufficient to determine the role of this variant in disease. Therefore, it has been classified as a Variant of Uncertain Significance. Algorithms developed to predict the effect of missense changes on protein structure and function are either unavailable or do not agree on the potential impact of this missense change (SIFT: "Deleterious"; PolyPhen-2: "Probably Damaging"; Align-GVGD: "Class C0"). This missense change has been observed in individual(s) with axial myopathy (PMID: 29624713). This variant is not present in population databases (ExAC no frequency). This sequence change replaces leucine with proline at codon 1601 of the MYH7 protein (p.Leu1601Pro). The leucine residue is highly conserved and there is a moderate physicochemical difference between leucine and proline.

Literature cited by the submitters: PubMed 29624713 (cited by Labcorp Genetics (formerly Invitae), Labcorp).

NM_000257.4(MYH7):c.4802T>C (p.Leu1601Pro)

Genes: MHRT (myosin heavy chain associated RNA transcript; plus strand), MYH7 (myosin heavy chain 7; minus strand), LOC126861897 (BRD4-independent group 4 enhancer GRCh37_chr14:23884455-23885654; plus strand). Cytogenetic location: 14q11.2.
Variant type: single nucleotide variant.
Coding change: c.4802T>C on transcript NM_000257.4 (MANE Select); coding-DNA position 4802, T replaced by C.
Protein change: p.Leu1601Pro; replaces leucine 1601 with proline.
Molecular consequence: missense variant. On other transcripts: non-coding transcript variant (1).
Genome position (GRCh38, 1-based): chr14:23,416,155, A>G on the plus strand (T>C on the coding strand, the complement: MYH7 is on the minus strand). VCF-style: chr14-23416155-A-G. GRCh37 (hg19) VCF-style: chr14-23885364-A-G.
Other names: short protein forms L1601P.
Identifiers: ClinVar variation 1399659 (VCV001399659.9), dbSNP rs2138642131, ClinGen allele CA389037603.